The following is an entry in ClinVar:

NM_001367868.2(PLIN4):c.2772G>A (p.Leu924=)

Gene: PLIN4 (perilipin 4; minus strand). Cytogenetic location: 19p13.3.
Variant type: single nucleotide variant.
Coding change: c.2772G>A on transcript NM_001367868.2 (MANE Select); coding-DNA position 2772, G replaced by A.
Protein change: p.Leu924=; no amino-acid change (leucine 924 retained).
Molecular consequence: synonymous variant.
Genome position (GRCh38, 1-based): chr19:4,511,188, C>T on the plus strand (G>A on the coding strand, the complement: PLIN4 is on the minus strand). VCF-style: chr19-4511188-C-T. GRCh37 (hg19) VCF-style: chr19-4511200-C-T.
Other names: c.2772G>A, p.Leu924= (NM_001393891.1, NM_001393890.1); c.2775G>A, p.Leu925= (NM_001393888.1, NM_001393889.1).
Identifiers: ClinVar variation 2649042 (VCV002649042.24), dbSNP rs200718202, ClinGen allele CA9099884.

ClinVar aggregate classification (germline): Likely benign (1 of 4 stars; one submission).

Allele frequency attached by ClinVar (database versions not stated): ExAC 0.00006; 1000 Genomes Project 30x 0.00078; 1000 Genomes Project 0.00140.

Submission:

CeGaT Center for Human Genetics Tuebingen
Classification: Likely benign. Last evaluated: 2025-08-01. Review status: criteria provided, single submitter. Criteria: CeGaT Center For Human Genetics Tuebingen Variant Classification Criteria Version 2. Collection method: clinical testing. Allele origin: germline. Affected: yes. Observed: 2 variant alleles.
Comment: PLIN4: BP4, BP7